The following is an entry in ClinVar:

NM_001142864.4(PIEZO1):c.827C>T (p.Pro276Leu)

Genes: HSALR1 (HSP90AB1 associated lncRNA 1; plus strand), PIEZO1 (piezo type mechanosensitive ion channel component 1 (Er blood group); minus strand). Cytogenetic location: 16q24.3.
Variant type: single nucleotide variant.
Coding change: c.827C>T on transcript NM_001142864.4 (MANE Select); coding-DNA position 827, C replaced by T.
Protein change: p.Pro276Leu; replaces proline 276 with leucine.
Molecular consequence: missense variant. On other transcripts: non-coding transcript variant (1).
Genome position (GRCh38, 1-based): chr16:88,738,248, G>A on the plus strand (C>T on the coding strand, the complement: PIEZO1 is on the minus strand). VCF-style: chr16-88738248-G-A. GRCh37 (hg19) VCF-style: chr16-88804656-G-A.
Other names: short protein forms P276L.
Identifiers: ClinVar variation 2510083 (VCV002510083.3), dbSNP rs1267995708, ClinGen allele CA397122987.

ClinVar aggregate classification (germline): Uncertain significance. Review status: criteria provided, multiple submitters, no conflicts (2 of 4 stars). 2 submissions from 2 submitters: Uncertain significance (2). Last evaluated 2023-06-02.

Conditions:
Inborn genetic diseases. Identifiers: MedGen C0950123, MeSH D030342.
Dehydrated hereditary stomatocytosis with or without pseudohyperkalemia and/or perinatal edema (DHS1). Also called: PSEUDOHYPERKALEMIA EDINBURGH; DEHYDRATED HEREDITARY STOMATOCYTOSIS AND PSEUDOHYPERKALEMIA; DEHYDRATED HEREDITARY STOMATOCYTOSIS WITH PSEUDOHYPERKALEMIA AND PERINATAL EDEMA; Pseudohyperkalemia, familial, 1, due to red cell leak; Dehydrated hereditary stomatocytosis 1 with or without pseudohyperkalemia and/or perinatal edema. Identifiers: Orphanet 3202, MedGen C4551512, MONDO:0008689, OMIM 194380.

Allele frequency attached by ClinVar (database versions not stated): gnomAD 0.00001; gnomAD exomes 0.00001; TOPMed 0.00002.

Submissions (2):

Ambry Genetics
Classification: Uncertain significance for Inborn genetic diseases. Last evaluated: 2023-06-02. Review status: criteria provided, single submitter. Criteria: Ambry Variant Classification Scheme 2023. Collection method: clinical testing. Allele origin: germline.

Neuberg Centre For Genomic Medicine, NCGM
Classification: Uncertain significance for Dehydrated hereditary stomatocytosis with or without pseudohyperkalemia and/or perinatal edema. Review status: criteria provided, single submitter. Criteria: ACMG Guidelines, 2015. Collection method: clinical testing. Allele origin: germline. Inheritance: Autosomal dominant inheritance. Affected: yes.
Comment: The observed missense variant c.827C>T(p.Pro276Leu) in PIEZO1 gene has not been reported previously as a pathogenic variant nor as a benign variant, to our knowledge. The c.827C>T variant has 0.003% allele frequency in gnomAD Exomes. The amino acid Proline at position 276 is changed to a Leucine changing protein sequence and it might alter its composition and physico-chemical properties. The amino acid is predicted to be damaging by SIFT. The amino acid change p.Pro276Leu in PIEZO1 is predicted as conserved by GERP++ and PhyloP across 100 vertebrates. For these reasons, this variant has been classified as Uncertain Significance.